The following is an entry in ClinVar:

NM_000057.4(BLM):c.1708A>C (p.Ile570Leu)

Gene: BLM (BLM RecQ like helicase; plus strand). Cytogenetic location: 15q26.1.
Variant type: single nucleotide variant.
Coding change: c.1708A>C on transcript NM_000057.4 (MANE Select); coding-DNA position 1708, A replaced by C.
Protein change: p.Ile570Leu; replaces isoleucine 570 with leucine.
Molecular consequence: missense variant.
Genome position (GRCh38, 1-based): chr15:90,761,081, A>C. VCF-style: chr15-90761081-A-C. GRCh37 (hg19) VCF-style: chr15-91304311-A-C.
Other names: c.1708A>C, p.Ile570Leu (NM_001287246.2, NM_001287247.2); c.583A>C, p.Ile195Leu (NM_001287248.2); short protein forms I570L, I195L.
Identifiers: ClinVar variation 841967 (VCV000841967.6), dbSNP rs775758928, ClinGen allele CA393843674.

ClinVar aggregate classification (germline): Uncertain significance (1 of 4 stars; one submission).

Conditions:
Bloom syndrome (BLM). Also called: Bloom-Torre-Machacek syndrome. Identifiers: Orphanet 125, MedGen C0005859, MONDO:0008876, OMIM 210900.

Submission:

Labcorp Genetics (formerly Invitae), Labcorp
Classification: Uncertain significance for Bloom syndrome. Last evaluated: 2022-09-06. Review status: criteria provided, single submitter. Criteria: Invitae Variant Classification Sherloc (09022015). Collection method: clinical testing. Allele origin: germline.
Comment: This sequence change replaces isoleucine, which is neutral and non-polar, with leucine, which is neutral and non-polar, at codon 570 of the BLM protein (p.Ile570Leu). This variant is not present in population databases (gnomAD no frequency). This variant has not been reported in the literature in individuals affected with BLM-related conditions. ClinVar contains an entry for this variant (Variation ID: 841967). Algorithms developed to predict the effect of missense changes on protein structure and function output the following: SIFT: "Tolerated"; PolyPhen-2: "Benign"; Align-GVGD: "Class C0". The leucine amino acid residue is found in multiple mammalian species, which suggests that this missense change does not adversely affect protein function. In summary, the available evidence is currently insufficient to determine the role of this variant in disease. Therefore, it has been classified as a Variant of Uncertain Significance.